The following is an entry in ClinVar:

ClinVar aggregate classification (germline): other (0 of 4 stars; one submission).

Conditions:
Familial colorectal cancer. Identifiers: MedGen CN280943, MONDO:0023113. Disease mechanism: loss of function.

Submission:

Systems Biology Platform Zhejiang California International NanoSystems Institute
Classification: other for Familial colorectal cancer. Review status: no assertion criteria provided. Collection method: not provided. Allele origin: unknown.
ClinVar note: Converted during submission from cancer to other.

NM_000038.6(APC):c.934-515A>T

Gene: APC (APC regulator of WNT signaling pathway; plus strand). Cytogenetic location: 5q22.2.
Variant type: single nucleotide variant.
Coding change: c.934-515A>T on transcript NM_000038.6 (MANE Select); 515 bases into the intron before coding-DNA position 934, A replaced by T.
Molecular consequence: intron variant.
Genome position (GRCh38, 1-based): chr5:112,818,451, A>T. VCF-style: chr5-112818451-A-T. GRCh37 (hg19) VCF-style: chr5-112154148-A-T.
Other names: c.934-515A>T (NM_001354895.2, NM_001127510.3, NM_001354896.2); c.964-515A>T (NM_001354897.2); c.964-818A>T (NM_001354902.2); c.880-515A>T (NM_001127511.3); c.859-515A>T (NM_001354898.2); c.859-818A>T (NM_001354904.2); c.85-515A>T (NM_001354906.2); c.934-818A>T (NM_001354903.2); and 3 more.
Identifiers: ClinVar variation 82564 (VCV000082564.2), dbSNP rs74509144, ClinGen allele CA015924.